The following is an entry in ClinVar:

ClinVar aggregate classification (germline): Uncertain significance (1 of 4 stars; one submission).

Submission:

Labcorp Genetics (formerly Invitae), Labcorp
Classification: Uncertain significance. Last evaluated: 2025-06-12. Review status: criteria provided, single submitter. Criteria: Invitae Variant Classification Sherloc (09022015). Collection method: clinical testing. Allele origin: germline.
Comment: This sequence change falls in intron 5 of the ROBO2 gene. It does not directly change the encoded amino acid sequence of the ROBO2 protein. It affects a nucleotide within the consensus splice site. This variant is not present in population databases (gnomAD no frequency). This variant has not been reported in the literature in individuals affected with ROBO2-related conditions. ClinVar contains an entry for this variant (Variation ID: 3674313). Variants that disrupt the consensus splice site are a relatively common cause of aberrant splicing (PMID: 17576681, 9536098). Algorithms developed to predict the effect of sequence changes on RNA splicing suggest that this variant is not likely to affect RNA splicing. In summary, the available evidence is currently insufficient to determine the role of this variant in disease. Therefore, it has been classified as a Variant of Uncertain Significance.

Literature cited by the submitters: PubMed 17576681; PubMed 9536098.

NM_001395656.1(ROBO2):c.806+3A>G

Gene: ROBO2 (roundabout guidance receptor 2; plus strand). Cytogenetic location: 3p12.3.
Variant type: single nucleotide variant.
Coding change: c.806+3A>G on transcript NM_001395656.1 (MANE Select); 3 bases into the intron after coding-DNA position 806, A replaced by G.
Molecular consequence: intron variant.
Genome position (GRCh38, 1-based): chr3:77,493,385, A>G. VCF-style: chr3-77493385-A-G. GRCh37 (hg19) VCF-style: chr3-77542536-A-G.
Other names: c.854+3A>G (NM_001378200.1, NM_001378201.1, NM_001378203.1 and 5 more transcripts); c.875+3A>G (NM_001394213.1, NM_001378192.1, NM_001378198.1 and 5 more transcripts); c.806+3A>G (NM_001290040.2, NM_001290039.2, NM_001378202.1 and 3 more transcripts); c.-1113+3A>G (NM_001290065.2).
Identifiers: ClinVar variation 3674313 (VCV003674313.2).
Genomic context (GRCh38, chr3:77,493,385, plus strand): 5'-GAGATCCTCAACCAACTGTGAGGTGGAAAAAGGATGATGCAGACTTGCCAAGAGGAAGGT[A>G]AGACCAACATATGGATGGAAGATTGTTAGATAACCAATGAATAATTAGAAAATAAAAGGA-3'